The following is an entry in ClinVar:

ClinVar aggregate classification (germline): Uncertain significance (1 of 4 stars; one submission).

Conditions:
Primary ciliary dyskinesia 23 (CILD23). Also called: CILIARY DYSKINESIA, PRIMARY, 23, WITH OR WITHOUT SITUS INVERSUS. Identifiers: Orphanet 244, MedGen C3809548, MONDO:0014193, OMIM 615451.

Submission:

Labcorp Genetics (formerly Invitae), Labcorp
Classification: Uncertain significance for Primary ciliary dyskinesia 23. Last evaluated: 2022-11-15. Review status: criteria provided, single submitter. Criteria: Invitae Variant Classification Sherloc (09022015). Collection method: clinical testing. Allele origin: germline.
Comment: This sequence change replaces isoleucine, which is neutral and non-polar, with methionine, which is neutral and non-polar, at codon 167 of the ARMC4 protein (p.Ile167Met). This variant is not present in population databases (gnomAD no frequency). This variant has not been reported in the literature in individuals affected with ARMC4-related conditions. ClinVar contains an entry for this variant (Variation ID: 1681396). Algorithms developed to predict the effect of missense changes on protein structure and function output the following: SIFT: "Tolerated"; PolyPhen-2: "Benign"; Align-GVGD: "Class C0". The methionine amino acid residue is found in multiple mammalian species, which suggests that this missense change does not adversely affect protein function. In summary, the available evidence is currently insufficient to determine the role of this variant in disease. Therefore, it has been classified as a Variant of Uncertain Significance.

NM_018076.5(ODAD2):c.501T>G (p.Ile167Met)

Gene: ODAD2 (outer dynein arm docking complex subunit 2; minus strand). Cytogenetic location: 10p12.1.
Variant type: single nucleotide variant.
Coding change: c.501T>G on transcript NM_018076.5 (MANE Select); coding-DNA position 501, T replaced by G.
Protein change: p.Ile167Met; replaces isoleucine 167 with methionine.
Molecular consequence: missense variant.
Genome position (GRCh38, 1-based): chr10:27,985,093, A>C on the plus strand (T>G on the coding strand, the complement: ODAD2 is on the minus strand). VCF-style: chr10-27985093-A-C. GRCh37 (hg19) VCF-style: chr10-28274022-A-C.
Other names: c.501T>G, p.Ile167Met (NM_001290020.2); short protein forms I167M.
Identifiers: ClinVar variation 1681396 (VCV001681396.6), dbSNP rs2133135602, ClinGen allele CA376397157.
Genomic context (GRCh38, chr10:27,985,093, plus strand): 5'-TAGAGAATGATTGAGGAGGTGCAGATCCAATTGCTTAAGCAGCATAGCAATCTTCATCTT[A>C]ATTTCACTTTCAGGATCATCATCTCTGGTAATTTTGCCAAGAATATTTAATGCAATTGAG-3'
Protein context (NP_060546.2, residues 157-177): ITRDDDPESE[Ile167Met]KMKIAMLLKQ